The following is an entry in ClinVar:

ClinVar aggregate classification (germline): Likely benign. Review status: criteria provided, multiple submitters, no conflicts (2 of 4 stars). 2 submissions from 2 submitters: Likely benign (2). Last evaluated 2025-07-14.

Conditions:
Autosomal recessive limb-girdle muscular dystrophy type 2O. Also called: Limb-Girdle Muscular Dystrophy Type 3C; MUSCULAR DYSTROPHY-DYSTROGLYCANOPATHY (LIMB-GIRDLE), TYPE C, 3; MUSCULAR DYSTROPHY-DYSTROGLYCANOPATHY, LIMB-GIRDLE, POMGNT1-RELATED. Identifiers: Orphanet 206564, MedGen C3150417, MONDO:0013161, OMIM 613157.
Muscular dystrophy-dystroglycanopathy (congenital with impaired intellectual development), type B, 3. Also called: Muscular dystrophy-dystroglycanopathy (congenital with intellectual disability), type B3; MUSCULAR DYSTROPHY, CONGENITAL, POMGNT1-RELATED. Identifiers: MedGen C3150412, MONDO:0013155, OMIM 613151.

Submissions (2):

Labcorp Genetics (formerly Invitae), Labcorp
Classification: Likely benign for Autosomal recessive limb-girdle muscular dystrophy type 2O; Muscular dystrophy-dystroglycanopathy (congenital with impaired intellectual development), type B, 3. Last evaluated: 2025-07-14. Review status: criteria provided, single submitter. Criteria: Invitae Variant Classification Sherloc (09022015). Collection method: clinical testing. Allele origin: germline.

GeneDx
Classification: Likely benign. Last evaluated: 2018-01-22. Review status: criteria provided, single submitter. Criteria: GeneDx Variant Classification (06012015). Collection method: clinical testing. Allele origin: germline. Affected: yes.
Comment: This variant is considered likely benign or benign based on one or more of the following criteria: it is a conservative change, it occurs at a poorly conserved position in the protein, it is predicted to be benign by multiple in silico algorithms, and/or has population frequency not consistent with disease.

NM_017739.4(POMGNT1):c.624C>T (p.Asp208=)

Genes: POMGNT1 (protein O-linked mannose N-acetylglucosaminyltransferase 1 (beta 1,2-); minus strand), TSPAN1 (tetraspanin 1; plus strand). Cytogenetic location: 1p34.1.
Variant type: single nucleotide variant.
Coding change: c.624C>T on transcript NM_017739.4 (MANE Select); coding-DNA position 624, C replaced by T.
Protein change: p.Asp208=; no amino-acid change (aspartic acid 208 retained).
Molecular consequence: synonymous variant.
Genome position (GRCh38, 1-based): chr1:46,194,872, G>A on the plus strand (C>T on the coding strand, the complement: POMGNT1 is on the minus strand). VCF-style: chr1-46194872-G-A. GRCh37 (hg19) VCF-style: chr1-46660544-G-A.
Other names: c.624C>T, p.Asp208= (NM_001243766.2, NM_001410783.1); c.558C>T, p.Asp186= (NM_001290129.3); c.195C>T, p.Asp65= (NM_001290130.2).
Identifiers: ClinVar variation 514863 (VCV000514863.4), dbSNP rs1553163762, ClinGen allele CA417718811.